The following is an entry in ClinVar:

ClinVar aggregate classification (germline): Likely benign (1 of 4 stars; one submission).

Allele frequency attached by ClinVar (database versions not stated): gnomAD 0.00001.

Submission:

CeGaT Center for Human Genetics Tuebingen
Classification: Likely benign. Last evaluated: 2022-03-01. Review status: criteria provided, single submitter. Criteria: CeGaT Center For Human Genetics Tuebingen Variant Classification Criteria Version 2. Collection method: clinical testing. Allele origin: germline. Affected: yes. Observed: 1 variant allele.
Comment: KRT18: BP4, BP7

NM_000224.3(KRT18):c.57C>T (p.Val19=)

Genes: KRT18 (keratin 18; plus strand), KRT8 (keratin 8; minus strand), LOC106096416 (KRT18 locus control region; plus strand). Cytogenetic location: 12q13.13.
Variant type: single nucleotide variant.
Coding change: c.57C>T on transcript NM_000224.3 (MANE Select); coding-DNA position 57, C replaced by T.
Protein change: p.Val19=; no amino-acid change (valine 19 retained).
Molecular consequence: synonymous variant. On other transcripts: intron variant (1).
Genome position (GRCh38, 1-based): chr12:52,949,230, C>T. VCF-style: chr12-52949230-C-T. GRCh37 (hg19) VCF-style: chr12-53343014-C-T.
Other names: c.57C>T, p.Val19= (NM_199187.2); c.-47+485G>A (NM_001256293.2).
Identifiers: ClinVar variation 2643037 (VCV002643037.22), dbSNP rs780920567, ClinGen allele CA479892559.
Genomic context (GRCh38, chr12:52,949,230, plus strand): 5'-CAGCATGAGCTTCACCACTCGCTCCACCTTCTCCACCAACTACCGGTCCCTGGGCTCTGT[C>T]CAGGCGCCCAGCTACGGCGCCCGGCCGGTCAGCAGCGCGGCCAGCGTCTATGCAGGCGCT-3'
Protein context (NP_000215.1, residues 9-29): FSTNYRSLGS[Val19=]QAPSYGARPV